The following is an entry in ClinVar:

NM_032520.5(GNPTG):c.202del (p.Ser68fs)

Gene: GNPTG (N-acetylglucosamine-1-phosphate transferase subunit gamma; plus strand). Cytogenetic location: 16p13.3.
Variant type: Deletion.
Coding change: c.202del on transcript NM_032520.5 (MANE Select); coding-DNA position 202, one base deleted (T; older notation c.202delT).
Protein change: p.Ser68fs; shifts the reading frame from serine 68.
Molecular consequence: frameshift variant.
Genome position (GRCh38, 1-based): chr16:1,361,766, T deleted. VCF-style (leftmost placement, unchanged base first): chr16-1361765-CT-C. GRCh37 (hg19) VCF-style: chr16-1411766-CT-C.
Other names: short protein forms S68fs.
Identifiers: ClinVar variation 2714415 (VCV002714415.3), dbSNP rs2548189385, ClinGen allele CA2630958397.

ClinVar aggregate classification (germline): Pathogenic (1 of 4 stars; one submission).

Submission:

Labcorp Genetics (formerly Invitae), Labcorp
Classification: Pathogenic. Last evaluated: 2023-08-18. Review status: criteria provided, single submitter. Criteria: Invitae Variant Classification Sherloc (09022015). Collection method: clinical testing. Allele origin: germline.
Comment: This sequence change creates a premature translational stop signal (p.Ser68Argfs*22) in the GNPTG gene. It is expected to result in an absent or disrupted protein product. Loss-of-function variants in GNPTG are known to be pathogenic (PMID: 19370764, 20301784). This variant is not present in population databases (gnomAD no frequency). This variant has not been reported in the literature in individuals affected with GNPTG-related conditions. For these reasons, this variant has been classified as Pathogenic.

Literature cited by the submitters: PubMed 19370764; PubMed 20301784.